The following is an entry in ClinVar:

ClinVar aggregate classification (germline): Uncertain significance (0 of 4 stars; one submission).

Conditions:
NR0B2-related disorder. Also called: NR0B2-related condition.

gnomAD v4.1: 8 of 1,613,742 alleles (0.0005%); highest among the groups gnomAD compares: Admixed American, 0.005%; no homozygotes.

Submission:

PreventionGenetics, part of Exact Sciences
Classification: Uncertain significance for NR0B2-related condition. Last evaluated: 2023-12-12. Review status: no assertion criteria provided. Collection method: clinical testing. Allele origin: germline.
Comment: The NR0B2 c.451T>C variant is predicted to result in the amino acid substitution p.Cys151Arg. To our knowledge, this variant has not been reported in the literature. This variant was not reported in gnomAD V2.1.1; however, it is now observed in 8 alleles in gnomAD V4. At this time, the clinical significance of this variant is uncertain due to the absence of conclusive functional and genetic evidence.

NM_021969.3(NR0B2):c.451T>C (p.Cys151Arg)

Genes: NR0B2 (nuclear receptor subfamily 0 group B member 2; minus strand), NUDC (nuclear distribution C, dynein complex regulator; plus strand). Cytogenetic location: 1p36.11.
Variant type: single nucleotide variant.
Coding change: c.451T>C on transcript NM_021969.3 (MANE Select); coding-DNA position 451, T replaced by C.
Protein change: p.Cys151Arg; replaces cysteine 151 with arginine.
Molecular consequence: missense variant.
Genome position (GRCh38, 1-based): chr1:26,913,490, A>G on the plus strand (T>C on the coding strand, the complement: NR0B2 is on the minus strand). VCF-style: chr1-26913490-A-G. GRCh37 (hg19) VCF-style: chr1-27239981-A-G.
Other names: short protein forms C151R.
Identifiers: ClinVar variation 3353588 (VCV003353588.1).